The following is an entry in ClinVar:

NM_001346249.2(RALGAPA1):c.7076G>A (p.Gly2359Asp)

Gene: RALGAPA1 (Ral GTPase activating protein catalytic subunit alpha 1; minus strand). Cytogenetic location: 14q13.2.
Variant type: single nucleotide variant.
Coding change: c.7076G>A on transcript NM_001346249.2 (MANE Select); coding-DNA position 7076, G replaced by A.
Protein change: p.Gly2359Asp; replaces glycine 2359 with aspartic acid.
Molecular consequence: missense variant.
Genome position (GRCh38, 1-based): chr14:35,595,767, C>T on the plus strand (G>A on the coding strand, the complement: RALGAPA1 is on the minus strand). VCF-style: chr14-35595767-C-T. GRCh37 (hg19) VCF-style: chr14-36064973-C-T.
Other names: c.5597G>A, p.Gly1866Asp (NM_001283043.3); c.5699G>A, p.Gly1900Asp (NM_001283044.3, NM_001346245.2, NM_001346247.2); c.6935G>A, p.Gly2312Asp (NM_001330075.3, NM_001346248.2); c.5558G>A, p.Gly1853Asp (NM_001346243.2, NM_001346246.2, NM_014990.3 and 1 more transcripts); short protein forms G1853D, G1866D, G1900D, G2312D, G2359D.
Identifiers: ClinVar variation 3361777 (VCV003361777.1).
Genomic context (GRCh38, chr14:35,595,767, plus strand): 5'-GTAGCAAAATATGGAGTGGTCAATCCAGTGCTTTTGTTTTTTTGTAGTCCTCCCATAAAA[C>T]CACAATGGTTTGTAAGATTTACCTAGAAGTAATGAAGAGTCACATAAATTAATTAAACAA-3'
Protein context (NP_001333178.1, residues 2349-2369): GWEVNLTNHC[Gly2359Asp]FMGGLQKNKS

ClinVar aggregate classification (germline): Uncertain significance (1 of 4 stars; one submission).

Submission:

GeneDx
Classification: Uncertain significance. Last evaluated: 2023-08-03. Review status: criteria provided, single submitter. Criteria: GeneDx Variant Classification Process June 2021. Collection method: clinical testing. Allele origin: germline. Affected: yes.
Comment: Not observed at significant frequency in large population cohorts (gnomAD); In silico analysis supports that this missense variant has a deleterious effect on protein structure/function; Has not been previously published as pathogenic or benign to our knowledge